The following is an entry in ClinVar:

NM_004168.4(SDHA):c.1132A>G (p.Thr378Ala)

Gene: SDHA (succinate dehydrogenase complex flavoprotein subunit A; plus strand). Cytogenetic location: 5p15.33.
Variant type: single nucleotide variant.
Coding change: c.1132A>G on transcript NM_004168.4 (MANE Select); coding-DNA position 1132, A replaced by G.
Protein change: p.Thr378Ala; replaces threonine 378 with alanine.
Molecular consequence: missense variant.
Genome position (GRCh38, 1-based): chr5:235,211, A>G. VCF-style: chr5-235211-A-G. GRCh37 (hg19) VCF-style: chr5-235326-A-G.
Other names: c.988A>G, p.Thr330Ala (NM_001294332.2); c.1132A>G, p.Thr378Ala (NM_001330758.2); short protein forms T330A, T378A.
Identifiers: ClinVar variation 662954 (VCV000662954.9), dbSNP rs1224187912, ClinGen allele CA359013523.
Genomic context (GRCh38, chr5:235,211, plus strand): 5'-GGCCCTGAGAAAGATCACGTCTACCTGCAGCTGCACCACCTACCTCCAGAGCAGCTGGCC[A>G]CGCGCCTGCCTGGCATTTCAGAGACAGCCATGATCTTCGCTGGCGTGGACGTCACGAAGG-3'
Protein context (NP_004159.2, residues 368-388): LHHLPPEQLA[Thr378Ala]RLPGISETAM

ClinVar aggregate classification (germline): Conflicting classifications of pathogenicity. Review status: criteria provided, conflicting classifications (1 of 4 stars). 2 submissions from 2 submitters: Uncertain significance (1); Likely benign (1). Last evaluated 2024-04-09.

Conditions:
Pheochromocytoma/paraganglioma syndrome 5. Also called: Paragangliomas 5; SDHA-Related Hereditary Paraganglioma-Pheochromocytoma Syndrome. Identifiers: Orphanet 29072, MedGen C3279992, MONDO:0013602, OMIM 614165.
Mitochondrial complex II deficiency, nuclear type 1. Also called: SUCCINATE CoQ REDUCTASE DEFICIENCY. Identifiers: Orphanet 3208, MedGen C5700310, MONDO:0100294, OMIM 252011.
Hereditary cancer-predisposing syndrome. Also called: Tumor predisposition; Neoplastic Syndromes, Hereditary; Hereditary Cancer Syndrome; Hereditary neoplastic syndrome. Identifiers: Orphanet 140162, MedGen C0027672, MeSH D009386, MONDO:0015356.

Allele frequency attached by ClinVar (database versions not stated): gnomAD exomes below 0.00001 and 0.00001; gnomAD 0.00001; TOPMed 0.00001.
gnomAD v4.1: 4 of 1,613,866 alleles (0.00025%); highest among the groups gnomAD compares: African/African-American, 0.0027%; no homozygotes.

Submissions (2):

Labcorp Genetics (formerly Invitae), Labcorp
Classification: Uncertain significance for Pheochromocytoma/paraganglioma syndrome 5; Mitochondrial complex II deficiency, nuclear type 1. Last evaluated: 2024-04-09. Review status: criteria provided, single submitter. Criteria: Invitae Variant Classification Sherloc (09022015). Collection method: clinical testing. Allele origin: germline.
Comment: This sequence change replaces threonine, which is neutral and polar, with alanine, which is neutral and non-polar, at codon 378 of the SDHA protein (p.Thr378Ala). This variant is present in population databases (no rsID available, gnomAD 0.01%). This variant has not been reported in the literature in individuals affected with SDHA-related conditions. ClinVar contains an entry for this variant (Variation ID: 662954). Advanced modeling of protein sequence and biophysical properties (such as structural, functional, and spatial information, amino acid conservation, physicochemical variation, residue mobility, and thermodynamic stability) performed at Invitae indicates that this missense variant is not expected to disrupt SDHA protein function with a negative predictive value of 95%. In summary, the available evidence is currently insufficient to determine the role of this variant in disease. Therefore, it has been classified as a Variant of Uncertain Significance.

Ambry Genetics
Classification: Likely benign for Hereditary cancer-predisposing syndrome. Last evaluated: 2024-03-05. Review status: criteria provided, single submitter. Criteria: Ambry Variant Classification Scheme 2023. Collection method: clinical testing. Allele origin: germline.